The following is an entry in ClinVar:

NM_005359.6(SMAD4):c.454+5G>A

Gene: SMAD4 (SMAD family member 4; plus strand). Cytogenetic location: 18q21.2.
Variant type: single nucleotide variant.
Coding change: c.454+5G>A on transcript NM_005359.6 (MANE Select); 5 bases into the intron after coding-DNA position 454, G replaced by A.
Molecular consequence: intron variant.
Genome position (GRCh38, 1-based): chr18:51,049,329, G>A. VCF-style: chr18-51049329-G-A. GRCh37 (hg19) VCF-style: chr18-48575699-G-A.
Other names: c.454+5G>A (NM_001407042.1, NM_001407041.1, NM_001407043.1).
Identifiers: ClinVar variation 3238415 (VCV003238415.1), dbSNP rs2144407757.

ClinVar aggregate classification (germline): Uncertain significance (1 of 4 stars; one submission).

Conditions:
Hereditary cancer-predisposing syndrome. Also called: Neoplastic Syndromes, Hereditary; Tumor predisposition; Hereditary neoplastic syndrome; Hereditary Cancer Syndrome. Identifiers: Orphanet 140162, MedGen C0027672, MeSH D009386, MONDO:0015356.
Familial thoracic aortic aneurysm and aortic dissection (TAAD). Also called: Thoracic aortic aneurysms and dissections. Identifiers: Orphanet 91387, MedGen C4707243, MONDO:0019625.

Allele frequency attached by ClinVar (database versions not stated): gnomAD exomes below 0.00001.
gnomAD v4.1: 1 of 1,593,564 alleles (0.000063%); highest among the groups gnomAD compares: East Asian, 0.0022%; no homozygotes.

Submission:

Ambry Genetics
Classification: Uncertain significance for Hereditary cancer-predisposing syndrome; Familial thoracic aortic aneurysm and aortic dissection. Last evaluated: 2023-05-22. Review status: criteria provided, single submitter. Criteria: Ambry Variant Classification Scheme 2023. Collection method: clinical testing. Allele origin: germline.
Comment: The c.454+5G>A intronic variant results from a G to A substitution 5 nucleotides after coding exon 3 in the SMAD4 gene. This nucleotide position is highly conserved in available vertebrate species. In silico splice site analysis predicts that this alteration will weaken the native splice donor site. RNA studies have demonstrated that this alteration results in a transcript predicted to lead to a protein with an in-frame deletion of 10 amino acids; however, the exact functional impact of the deleted amino acids is unknown at this time (Ambry internal data). Since supporting evidence is limited at this time, the clinical significance of this alteration remains unclear.